The following is an entry in ClinVar:

ClinVar aggregate classification (germline): Uncertain significance (1 of 4 stars; one submission).

Conditions:
Nephronophthisis. Also called: Juvenile Nephronophthisis. Identifiers: Orphanet 655, MedGen C0687120, MONDO:0019005, HP:0000090.

Allele frequency attached by ClinVar (database versions not stated): gnomAD 0.00001; ExAC 0.00002; TOPMed 0.00002.
gnomAD v4.1: 7 of 1,597,720 alleles (0.00044%); highest among the groups gnomAD compares: South Asian, 0.0011%; no homozygotes.

Submission:

Labcorp Genetics (formerly Invitae), Labcorp
Classification: Uncertain significance for Nephronophthisis. Last evaluated: 2023-12-06. Review status: criteria provided, single submitter. Criteria: Invitae Variant Classification Sherloc (09022015). Collection method: clinical testing. Allele origin: germline.
Comment: This sequence change replaces histidine, which is basic and polar, with arginine, which is basic and polar, at codon 176 of the NPHP4 protein (p.His176Arg). This variant is present in population databases (rs765166774, gnomAD 0.002%). This variant has not been reported in the literature in individuals affected with NPHP4-related conditions. ClinVar contains an entry for this variant (Variation ID: 1057605). Advanced modeling of protein sequence and biophysical properties (such as structural, functional, and spatial information, amino acid conservation, physicochemical variation, residue mobility, and thermodynamic stability) performed at Invitae indicates that this missense variant is expected to disrupt NPHP4 protein function with a positive predictive value of 80%. In summary, the available evidence is currently insufficient to determine the role of this variant in disease. Therefore, it has been classified as a Variant of Uncertain Significance.

NM_015102.5(NPHP4):c.527A>G (p.His176Arg)

Gene: NPHP4 (nephrocystin 4; minus strand). Cytogenetic location: 1p36.31.
Variant type: single nucleotide variant.
Coding change: c.527A>G on transcript NM_015102.5 (MANE Select); coding-DNA position 527, A replaced by G.
Protein change: p.His176Arg; replaces histidine 176 with arginine.
Molecular consequence: missense variant. On other transcripts: 5 prime UTR variant (2), non-coding transcript variant (1).
Genome position (GRCh38, 1-based): chr1:5,961,940, T>C on the plus strand (A>G on the coding strand, the complement: NPHP4 is on the minus strand). VCF-style: chr1-5961940-T-C. GRCh37 (hg19) VCF-style: chr1-6022000-T-C.
Other names: c.-703A>G (NM_001291593.2); c.-840A>G (NM_001291594.2); short protein forms H176R.
Identifiers: ClinVar variation 1057605 (VCV001057605.9), dbSNP rs765166774, ClinGen allele CA554808.